The following is an entry in ClinVar:

ClinVar aggregate classification (germline): Uncertain significance (1 of 4 stars; one submission).

gnomAD v4.1: 1 of 1,614,040 alleles (0.000062%); highest among the groups gnomAD compares: Non-Finnish European, 0.000085%; no homozygotes.

Submission:

Labcorp Genetics (formerly Invitae), Labcorp
Classification: Uncertain significance. Last evaluated: 2025-08-24. Review status: criteria provided, single submitter. Criteria: Invitae Variant Classification Sherloc (09022015). Collection method: clinical testing. Allele origin: germline.
Comment: This sequence change replaces lysine, which is basic and polar, with arginine, which is basic and polar, at codon 333 of the ELP1 protein (p.Lys333Arg). This variant is not present in population databases (gnomAD no frequency). This variant has not been reported in the literature in individuals affected with ELP1-related conditions. Invitae Evidence Modeling of protein sequence and biophysical properties (such as structural, functional, and spatial information, amino acid conservation, physicochemical variation, residue mobility, and thermodynamic stability) indicates that this missense variant is expected to disrupt ELP1 protein function with a positive predictive value of 80%. In summary, the available evidence is currently insufficient to determine the role of this variant in disease. Therefore, it has been classified as a Variant of Uncertain Significance.

NM_003640.5(ELP1):c.998A>G (p.Lys333Arg)

Gene: ELP1 (elongator acetyltransferase complex subunit 1; minus strand). Cytogenetic location: 9q31.3.
Variant type: single nucleotide variant.
Coding change: c.998A>G on transcript NM_003640.5 (MANE Select); coding-DNA position 998, A replaced by G.
Protein change: p.Lys333Arg; replaces lysine 333 with arginine.
Molecular consequence: missense variant. On other transcripts: 5 prime UTR variant (1).
Genome position (GRCh38, 1-based): chr9:108,912,455, T>C on the plus strand (A>G on the coding strand, the complement: ELP1 is on the minus strand). VCF-style: chr9-108912455-T-C. GRCh37 (hg19) VCF-style: chr9-111674735-T-C.
Other names: c.656A>G, p.Lys219Arg (NM_001318360.2); c.-50A>G (NM_001330749.2); short protein forms K219R, K333R.
Identifiers: ClinVar variation 4799686 (VCV004799686.1).